The following is an entry in ClinVar:

NM_033305.3(VPS13A):c.2410C>G (p.Pro804Ala)

Gene: VPS13A (vacuolar protein sorting 13 homolog A; plus strand). Cytogenetic location: 9q21.2.
Variant type: single nucleotide variant.
Coding change: c.2410C>G on transcript NM_033305.3 (MANE Select); coding-DNA position 2410, C replaced by G.
Protein change: p.Pro804Ala; replaces proline 804 with alanine.
Molecular consequence: missense variant.
Genome position (GRCh38, 1-based): chr9:77,260,207, C>G. VCF-style: chr9-77260207-C-G. GRCh37 (hg19) VCF-style: chr9-79875123-C-G.
Other names: c.2410C>G, p.Pro804Ala (NM_001018037.2, NM_001018038.3, NM_015186.4); short protein forms P804A.
Identifiers: ClinVar variation 4527791 (VCV004527791.1).

ClinVar aggregate classification (germline): Uncertain significance (1 of 4 stars; one submission).

gnomAD v4.1: 1 of 1,613,084 alleles (0.000062%); highest among the groups gnomAD compares: Non-Finnish European, 0.000085%; no homozygotes.

Submission:

GeneDx
Classification: Uncertain significance. Last evaluated: 2025-05-01. Review status: criteria provided, single submitter. Criteria: GeneDx Variant Classification Process June 2021. Collection method: clinical testing. Allele origin: germline. Affected: yes.
Comment: Not observed at significant frequency in large population cohorts (gnomAD); In silico analysis supports that this missense variant has a deleterious effect on protein structure/function; Has not been previously published as pathogenic or benign to our knowledge